The following is an entry in ClinVar:

NM_001367624.2(ZNF469):c.460dup (p.Gln154fs)

Gene: ZNF469 (zinc finger protein 469; plus strand). Cytogenetic location: 16q24.2.
Variant type: Duplication.
Coding change: c.460dup on transcript NM_001367624.2 (MANE Select); coding-DNA position 460, one base duplicated (C; older notation c.460dupC).
Protein change: p.Gln154fs; shifts the reading frame from glutamine 154.
Molecular consequence: frameshift variant.
Genome position (GRCh38, 1-based): chr16:88,427,930, C duplicated; the last of 6 consecutive C bases (chr16:88,427,925-88,427,930); duplicating any one gives the same sequence. VCF-style (leftmost placement, unchanged base first): chr16-88427924-A-AC. GRCh37 (hg19) VCF-style: chr16-88494332-A-AC.
Other names: short protein forms Q154fs.
Identifiers: ClinVar variation 1453084 (VCV001453084.6), dbSNP rs2142297368, ClinGen allele CA2573152828.

ClinVar aggregate classification (germline): Pathogenic (1 of 4 stars; one submission).

Submission:

Labcorp Genetics (formerly Invitae), Labcorp
Classification: Pathogenic. Last evaluated: 2025-11-11. Review status: criteria provided, single submitter. Criteria: Invitae Variant Classification Sherloc (09022015). Collection method: clinical testing. Allele origin: germline.
Comment: This sequence change creates a premature translational stop signal (p.Gln154Profs*17) in the ZNF469 gene. It is expected to result in an absent or disrupted protein product. Loss-of-function variants in ZNF469 are known to be pathogenic (PMID: 23642083, 23680354). This variant is not present in population databases (gnomAD no frequency). This variant has not been reported in the literature in individuals affected with ZNF469-related conditions. ClinVar contains an entry for this variant (Variation ID: 1453084). For these reasons, this variant has been classified as Pathogenic.

Literature cited by the submitters: PubMed 23642083; PubMed 23680354.